The following is an entry in ClinVar:

ClinVar aggregate classification (germline): Conflicting classifications of pathogenicity. Review status: criteria provided, conflicting classifications (1 of 4 stars). 3 submissions from 3 submitters: Likely pathogenic (1); Uncertain significance (2). Last evaluated 2024-09-10.

Conditions:
Developmental and epileptic encephalopathy, 32 (DEE32). Also called: Epileptic encephalopathy, early infantile, 32. Identifiers: Orphanet 442835, MedGen C4225350, MONDO:0014607, OMIM 616366.

Submissions (3):

3billion
Classification: Uncertain significance for Developmental and epileptic encephalopathy, 32. Last evaluated: 2024-09-10. Review status: criteria provided, single submitter. Criteria: ACMG Guidelines, 2015. Collection method: clinical testing. Allele origin: germline. Affected: yes.
Comment: The variant is not observed in the gnomAD v4.0.0 dataset. Predicted Consequence/Location: Missense variant. Missense changes are a common disease-causing mechanism. In silico tool predictions suggest damaging effect of the variant on gene or gene product [REVEL: 0.68 (>=0.6, sensitivity 0.68 and specificity 0.92); 3Cnet: 0.95 (>=0.6, sensitivity 0.72 and precision 0.9)]. The same nucleotide change resulting in the same amino acid change has been previously reported to be associated with KCNA2 related disorder (ClinVar ID: VCV000542661). However, the evidence of pathogenicity is insufficient at this time. Therefore, this variant is classified as VUS according to the recommendation of ACMG/AMP guideline.

CeGaT Center for Human Genetics Tuebingen
Classification: Likely pathogenic. Last evaluated: 2019-11-01. Review status: criteria provided, single submitter. Criteria: CeGaT Center For Human Genetics Tuebingen Variant Classification Criteria Version 2. Collection method: clinical testing. Allele origin: germline. Affected: yes. Observed: 1 variant allele.

Labcorp Genetics (formerly Invitae), Labcorp
Classification: Uncertain significance for Developmental and epileptic encephalopathy, 32. Last evaluated: 2017-11-27. Review status: criteria provided, single submitter. Criteria: Invitae Variant Classification Sherloc (09022015). Collection method: clinical testing. Allele origin: germline.
Comment: In summary, the available evidence is currently insufficient to determine the role of this variant in disease. Therefore, it has been classified as a Variant of Uncertain Significance. This sequence change replaces glutamic acid with lysine at codon 183 of the KCNA2 protein (p.Glu183Lys). The glutamic acid residue is highly conserved and there is a small physicochemical difference between glutamic acid and lysine. This variant is not present in population databases (ExAC no frequency). This variant has not been reported in the literature in individuals with KCNA2-related disease. Algorithms developed to predict the effect of missense changes on protein structure and function (SIFT, PolyPhen-2, Align-GVGD) all suggest that this variant is likely to be disruptive, but these predictions have not been confirmed by published functional studies and their clinical significance is uncertain.

NM_004974.4(KCNA2):c.547G>A (p.Glu183Lys)

Gene: KCNA2 (potassium voltage-gated channel subfamily A member 2; minus strand). Cytogenetic location: 1p13.3.
Variant type: single nucleotide variant.
Coding change: c.547G>A on transcript NM_004974.4 (MANE Select); coding-DNA position 547, G replaced by A.
Protein change: p.Glu183Lys; replaces glutamic acid 183 with lysine.
Molecular consequence: missense variant.
Genome position (GRCh38, 1-based): chr1:110,604,236, C>T on the plus strand (G>A on the coding strand, the complement: KCNA2 is on the minus strand). VCF-style: chr1-110604236-C-T. GRCh37 (hg19) VCF-style: chr1-111146858-C-T.
Other names: c.547G>A, p.Glu183Lys (NM_001204269.2); short protein forms E183K.
Identifiers: ClinVar variation 542661 (VCV000542661.49), dbSNP rs1553181398, ClinGen allele CA341603755.